The following is an entry in ClinVar:

NM_205836.3(FBXO38):c.426+6T>G

Gene: FBXO38 (F-box protein 38; plus strand). Cytogenetic location: 5q32.
Variant type: single nucleotide variant.
Coding change: c.426+6T>G on transcript NM_205836.3 (MANE Select); 6 bases into the intron after coding-DNA position 426, T replaced by G.
Molecular consequence: intron variant.
Genome position (GRCh38, 1-based): chr5:148,402,151, T>G. VCF-style: chr5-148402151-T-G. GRCh37 (hg19) VCF-style: chr5-147781714-T-G.
Other names: c.426+6T>G (NM_030793.5, NM_001271723.2).
Identifiers: ClinVar variation 4798592 (VCV004798592.1).

ClinVar aggregate classification (germline): Uncertain significance (1 of 4 stars; one submission).

Conditions:
Distal hereditary motor neuropathy type 2. Identifiers: Orphanet 139525, MedGen C3711384, MeSH C580044, MONDO:0015352.

Submission:

Labcorp Genetics (formerly Invitae), Labcorp
Classification: Uncertain significance for Distal hereditary motor neuropathy type 2. Last evaluated: 2025-03-05. Review status: criteria provided, single submitter. Criteria: Invitae Variant Classification Sherloc (09022015). Collection method: clinical testing. Allele origin: germline.
Comment: This sequence change falls in intron 4 of the FBXO38 gene. It does not directly change the encoded amino acid sequence of the FBXO38 protein. It affects a nucleotide within the consensus splice site. This variant is not present in population databases (gnomAD no frequency). This variant has not been reported in the literature in individuals affected with FBXO38-related conditions. Variants that disrupt the consensus splice site are a relatively common cause of aberrant splicing (PMID: 17576681, 9536098). Algorithms developed to predict the effect of sequence changes on RNA splicing suggest that this variant may disrupt the consensus splice site. In summary, the available evidence is currently insufficient to determine the role of this variant in disease. Therefore, it has been classified as a Variant of Uncertain Significance.

Literature cited by the submitters: PubMed 17576681; PubMed 9536098.